The following is an entry in ClinVar:

ClinVar aggregate classification (germline): Uncertain significance (1 of 4 stars; one submission).

Conditions:
Primary ciliary dyskinesia 28. Also called: CILIARY DYSKINESIA, PRIMARY, 28, WITH OR WITHOUT SITUS INVERSUS. Identifiers: Orphanet 244, MedGen C3809706, MONDO:0014216, OMIM 615505.

Submission:

Baylor Genetics
Classification: Uncertain significance for Primary ciliary dyskinesia 28. Last evaluated: 2019-12-02. Review status: criteria provided, single submitter. Criteria: ACMG Guidelines, 2015. Collection method: clinical testing. Allele origin: unknown. Affected: yes.
Comment: This variant was determined to be of uncertain significance according to ACMG Guidelines, 2015 [PMID:25741868].

NM_003114.5(SPAG1):c.1562T>G (p.Met521Arg)

Gene: SPAG1 (sperm associated antigen 1; plus strand). Cytogenetic location: 8q22.2.
Variant type: single nucleotide variant.
Coding change: c.1562T>G on transcript NM_003114.5 (MANE Select); coding-DNA position 1562, T replaced by G.
Protein change: p.Met521Arg; replaces methionine 521 with arginine.
Molecular consequence: missense variant.
Genome position (GRCh38, 1-based): chr8:100,220,305, T>G. VCF-style: chr8-100220305-T-G. GRCh37 (hg19) VCF-style: chr8-101232533-T-G.
Other names: c.1562T>G, p.Met521Arg (NM_001374321.1, NM_172218.3); short protein forms M521R.
Identifiers: ClinVar variation 1029672 (VCV001029672.1), dbSNP rs140258045, ClinGen allele CA371811568.
Genomic context (GRCh38, chr8:100,220,305, plus strand): 5'-AACAAATGGTATGTAATATTTTTGTCTTCTTTAGGGCTCTGGAACTTCATCCATTCTCTA[T>G]GAAACCTCTTCTGAGGCGGGCGATGGCCTATGAAACTCTAGAGCAGTATGGGAAAGCTTA-3'
Protein context (NP_003105.2, residues 511-531): NRALELHPFS[Met521Arg]KPLLRRAMAY